The following is an entry in ClinVar:

ClinVar aggregate classification (germline): Uncertain significance (1 of 4 stars; one submission).

Conditions:
Hereditary cancer-predisposing syndrome. Also called: Neoplastic Syndromes, Hereditary; Tumor predisposition; Hereditary neoplastic syndrome; Hereditary Cancer Syndrome. Identifiers: Orphanet 140162, MedGen C0027672, MeSH D009386, MONDO:0015356.

Submission:

Ambry Genetics
Classification: Uncertain significance for Hereditary cancer-predisposing syndrome. Last evaluated: 2026-07-07. Review status: criteria provided, single submitter. Criteria: Ambry Variant Classification Scheme 2023. Collection method: clinical testing. Allele origin: germline.
Comment: The p.E584G variant (also known as c.1751A>G), located in coding exon 11 of the NBN gene, results from an A to G substitution at nucleotide position 1751. The glutamic acid at codon 584 is replaced by glycine, an amino acid with similar properties. This amino acid position is conserved. In addition, this alteration is predicted to be tolerated by in silico analysis. Based on the available evidence, the clinical significance of this variant remains unclear.

NM_002485.5(NBN):c.1751A>G (p.Glu584Gly)

Gene: NBN (nibrin; minus strand). Cytogenetic location: 8q21.3.
Variant type: single nucleotide variant.
Coding change: c.1751A>G on transcript NM_002485.5 (MANE Select); coding-DNA position 1751, A replaced by G.
Protein change: p.Glu584Gly; replaces glutamic acid 584 with glycine.
Molecular consequence: missense variant.
Genome position (GRCh38, 1-based): chr8:89,953,338, T>C on the plus strand (A>G on the coding strand, the complement: NBN is on the minus strand). VCF-style: chr8-89953338-T-C. GRCh37 (hg19) VCF-style: chr8-90965566-T-C.
Other names: c.1505A>G, p.Glu502Gly (NM_001024688.3, NM_001440379.1, NM_001440380.1); short protein forms E502G, E584G.
Identifiers: ClinVar variation 5025410 (VCV005025410.1).
Genomic context (GRCh38, chr8:89,953,338, plus strand): 5'-CTGAAAGTGTCATTTGTTTCTATATCCATCCTTGGCCTTTTTCTAACATTGACATCTTCC[T>C]CCTGTTTTTGAACTTTCACATCAATTTCTAACTCTGGTTTTGTGTCCTTGAATAACTGTT-3'
Protein context (NP_002476.2, residues 574-594): LEIDVKVQKQ[Glu584Gly]EDVNVRKRPR